The following is an entry in ClinVar:

ClinVar aggregate classification (germline): Uncertain significance. Review status: criteria provided, multiple submitters, no conflicts (2 of 4 stars). 2 submissions from 2 submitters: Uncertain significance (2). Last evaluated 2026-07-10.

Conditions:
Interstitial lung disease due to ABCA3 deficiency. Also called: PULMONARY ALVEOLAR PROTEINOSIS, CONGENITAL, 3. Identifiers: Orphanet 440402, MedGen C1970456, MONDO:0012582, OMIM 610921.

Allele frequency attached by ClinVar (database versions not stated): gnomAD 0.00001.
gnomAD v4.1: 1 of 1,612,454 alleles (0.000062%); highest among the groups gnomAD compares: Non-Finnish European, 0.000085%; no homozygotes.

Submissions (2):

Myriad Genetics, Inc.
Classification: Uncertain significance for Interstitial lung disease due to ABCA3 deficiency. Last evaluated: 2026-07-10. Review status: criteria provided, single submitter. Criteria: Myriad Autosomal Dominant, Autosomal Recessive and X-Linked Classification Criteria (2023). Collection method: clinical testing. Allele origin: unknown.
Comment: NM_001089.2(ABCA3):c.1742-9G>A is an intronic variant classified as a variant of uncertain significance in the context of surfactant deficiency, ABCA3-related. c.1742-9G>A has been observed in a case with relevant disease (PMID: 15976379). Relevant functional assessments of this variant are not available in the literature. c.1742-9G>A has been observed in referenced population frequency databases. In summary, there is insufficient evidence to classify NM_001089.2(ABCA3):c.1742-9G>A as pathogenic or benign. Please note: this variant was assessed in the context of healthy population screening.

GeneDx
Classification: Uncertain significance. Last evaluated: 2023-04-24. Review status: criteria provided, single submitter. Criteria: GeneDx Variant Classification Process June 2021. Collection method: clinical testing. Allele origin: germline. Affected: yes.
Comment: In silico analysis supports a deleterious effect on splicing; Has been reported in trans with another variant in a patient with chronic lung disease (PMID 15976379); This variant is associated with the following publications: (PMID: 24871971, 15976379)

Literature cited by the submitters: PubMed 15976379 (cited by Myriad Genetics, Inc.).

NM_001089.3(ABCA3):c.1742-9G>A

Gene: ABCA3 (ATP binding cassette subfamily A member 3; minus strand). Cytogenetic location: 16p13.3.
Variant type: single nucleotide variant.
Coding change: c.1742-9G>A on transcript NM_001089.3 (MANE Select); 9 bases into the intron before coding-DNA position 1742, G replaced by A.
Molecular consequence: intron variant.
Genome position (GRCh38, 1-based): chr16:2,298,549, C>T on the plus strand (G>A on the coding strand, the complement: ABCA3 is on the minus strand). VCF-style: chr16-2298549-C-T. GRCh37 (hg19) VCF-style: chr16-2348550-C-T.
Identifiers: ClinVar variation 3252927 (VCV003252927.2), dbSNP rs2093683792.